The following is an entry in ClinVar:

ClinVar aggregate classification (germline): Pathogenic (1 of 4 stars; one submission).

Conditions:
Familial thoracic aortic aneurysm and aortic dissection (TAAD). Also called: Thoracic aortic aneurysms and dissections. Identifiers: Orphanet 91387, MedGen C4707243, MONDO:0019625.
Marfan syndrome (MFS). Also called: FBN1-Related Marfan Syndrome; Marfan syndrome type 1; Marfan's syndrome; Marfan syndrome, classic; MARFAN SYNDROME, TYPE I. Identifiers: Orphanet 284963, Orphanet 558, MedGen C0024796, MONDO:0007947, OMIM 154700.

Submission:

Labcorp Genetics (formerly Invitae), Labcorp
Classification: Pathogenic for Marfan syndrome; Familial thoracic aortic aneurysm and aortic dissection. Last evaluated: 2018-02-17. Review status: criteria provided, single submitter. Criteria: Invitae Variant Classification Sherloc (09022015). Collection method: clinical testing. Allele origin: germline.
Comment: For these reasons, this variant has been classified as Pathogenic. Loss-of-function variants in FBN1 are known to be pathogenic (PMID: 17657824, 19293843). This variant has not been reported in the literature in individuals with FBN1-related disease. This variant is not present in population databases (ExAC no frequency). This sequence change creates a premature translational stop signal (p.Thr341Alafs*4) in the FBN1 gene. It is expected to result in an absent or disrupted protein product.

Literature cited by the submitters: PubMed 17657824; PubMed 19293843.

NM_000138.5(FBN1):c.1021_1028del (p.Thr341fs)

Genes: FBN1 (fibrillin 1; minus strand), LOC113939944 (Sharpr-MPRA regulatory region 9539; plus strand). Cytogenetic location: 15q21.1.
Variant type: Deletion.
Coding change: c.1021_1028del on transcript NM_000138.5 (MANE Select); coding-DNA positions 1021 to 1028, 8 bases deleted (ACAAACGG; older notation c.1021_1028delACAAACGG).
Protein change: p.Thr341fs; shifts the reading frame from threonine 341.
Molecular consequence: frameshift variant.
Genome position (GRCh38, 1-based): chr15:48,520,778-48,520,785, CCGTTTGT deleted on the plus strand (ACAAACGG on the coding strand, the reverse complement: FBN1 is on the minus strand); deleting any 8 consecutive bases within chr15:48,520,778-48,520,786 gives the same sequence; the c. name uses the placement nearest the transcript's 3' end. VCF-style (leftmost placement, unchanged base first): chr15-48520777-CCCGTTTGT-C. GRCh37 (hg19) VCF-style: chr15-48812974-CCCGTTTGT-C.
Other names: c.1021_1028delACAAACGG (NM_000138.4); short protein forms T341fs.
Identifiers: ClinVar variation 575840 (VCV000575840.6), dbSNP rs1566918060, ClinGen allele CA891844030.
Genomic context (GRCh38, chr15:48,520,777, plus strand): 5'-GCCGGCATCACAGCAGCACTGCATTTTGGTTATGGACTGTGGCAGCTGGTTAGAGCAGCG[CCCGTTTGT>C]CAGAGCTGTGTAACAGTATCCTGGGCGAACATCTGAGGACAAAGAAACACATACACACAC-3'